The following is an entry in ClinVar:

ClinVar aggregate classification (germline): Uncertain significance (1 of 4 stars; one submission).

Conditions:
Orofaciodigital syndrome type 6 (OFD6). Also called: Oral-facial-digital syndrome type 6; Central polydactyly cleft lip/palate or lingual lump and psychomotor retardation; Y-shaped central metacarpal and cerebellar defect; Joubert syndrome with orofacialdigital anomalies; OROFACIODIGITAL SYNDROME VI; OFDS VI. Identifiers: Orphanet 2754, MedGen C2745997, MONDO:0010176, OMIM 277170.
Joubert syndrome 17 (JBTS17). Identifiers: Orphanet 475, MedGen C3553264, MONDO:0013824, OMIM 614615.

Submission:

Labcorp Genetics (formerly Invitae), Labcorp
Classification: Uncertain significance. Last evaluated: 2022-01-03. Review status: criteria provided, single submitter. Criteria: Invitae Variant Classification Sherloc (09022015). Collection method: clinical testing. Allele origin: germline.
Comment: Advanced modeling of protein sequence and biophysical properties (such as structural, functional, and spatial information, amino acid conservation, physicochemical variation, residue mobility, and thermodynamic stability) performed at Invitae indicates that this missense variant is not expected to disrupt CPLANE1 protein function. This variant has not been reported in the literature in individuals affected with CPLANE1-related conditions. This variant is not present in population databases (gnomAD no frequency). This sequence change replaces alanine, which is neutral and non-polar, with threonine, which is neutral and polar, at codon 2391 of the CPLANE1 protein (p.Ala2391Thr). In summary, the available evidence is currently insufficient to determine the role of this variant in disease. Therefore, it has been classified as a Variant of Uncertain Significance.

NM_001384732.1(CPLANE1):c.7171G>A (p.Ala2391Thr)

Gene: CPLANE1 (ciliogenesis and planar polarity effector complex subunit 1; minus strand). Cytogenetic location: 5p13.2.
Variant type: single nucleotide variant.
Coding change: c.7171G>A on transcript NM_001384732.1 (MANE Select); coding-DNA position 7171, G replaced by A.
Protein change: p.Ala2391Thr; replaces alanine 2391 with threonine.
Molecular consequence: missense variant.
Genome position (GRCh38, 1-based): chr5:37,168,853, C>T on the plus strand (G>A on the coding strand, the complement: CPLANE1 is on the minus strand). VCF-style: chr5-37168853-C-T. GRCh37 (hg19) VCF-style: chr5-37168955-C-T.
Other names: c.7171G>A, p.Ala2391Thr (NM_023073.4); c.7171G>A (NM_023073.3); short protein forms A2391T.
Identifiers: ClinVar variation 1438851 (VCV001438851.7), dbSNP rs2150929874, ClinGen allele CA359477934.